The following is an entry in ClinVar:

ClinVar aggregate classification (germline): Uncertain significance. Review status: criteria provided, multiple submitters, no conflicts (2 of 4 stars). 2 submissions from 2 submitters: Uncertain significance (2). Last evaluated 2022-06-27.

Submissions (2):

Labcorp Genetics (formerly Invitae), Labcorp
Classification: Uncertain significance. Last evaluated: 2022-06-27. Review status: criteria provided, single submitter. Criteria: Invitae Variant Classification Sherloc (09022015). Collection method: clinical testing. Allele origin: germline.
Comment: In summary, the available evidence is currently insufficient to determine the role of this variant in disease. Therefore, it has been classified as a Variant of Uncertain Significance. Algorithms developed to predict the effect of missense changes on protein structure and function (SIFT, PolyPhen-2, Align-GVGD) all suggest that this variant is likely to be disruptive. This variant has not been reported in the literature in individuals affected with CLCN4-related conditions. This variant is not present in population databases (gnomAD no frequency). This sequence change replaces methionine, which is neutral and non-polar, with threonine, which is neutral and polar, at codon 518 of the CLCN4 protein (p.Met518Thr).

GeneDx
Classification: Uncertain significance. Last evaluated: 2022-05-02. Review status: criteria provided, single submitter. Criteria: GeneDx Variant Classification Process June 2021. Collection method: clinical testing. Allele origin: germline. Affected: yes.
Comment: Not observed at significant frequency in large population cohorts (gnomAD); In silico analysis supports that this missense variant has a deleterious effect on protein structure/function; Has not been previously published as pathogenic or benign to our knowledge

NM_001830.4(CLCN4):c.1553T>C (p.Met518Thr)

Gene: CLCN4 (chloride voltage-gated channel 4; plus strand). Cytogenetic location: Xp22.2.
Variant type: single nucleotide variant.
Coding change: c.1553T>C on transcript NM_001830.4 (MANE Select); coding-DNA position 1553, T replaced by C.
Protein change: p.Met518Thr; replaces methionine 518 with threonine.
Molecular consequence: missense variant.
Genome position (GRCh38, 1-based): chrX:10,212,630, T>C. VCF-style: chrX-10212630-T-C. GRCh37 (hg19) VCF-style: chrX-10180670-T-C.
Other names: c.1271T>C, p.Met424Thr (NM_001256944.2); short protein forms M424T, M518T.
Identifiers: ClinVar variation 1370977 (VCV001370977.7), dbSNP rs2147182755, ClinGen allele CA412041193.
Genomic context (GRCh38, chrX:10,212,630, plus strand): 5'-TCATCTTCAGGAACTGGTGCAGACCCGGTGCAGACTGTGTCACGCCAGGGCTGTACGCAA[T>C]GGTGGGAGCTGCGGCCTGCCTCGGTACGACCATGGGTGGGGCAGGGAGGGGGACCGGGGA-3'
Protein context (NP_001821.2, residues 508-528): ADCVTPGLYA[Met518Thr]VGAAACLGGV